The following is an entry in ClinVar:

NM_001197104.2(KMT2A):c.188_189insTGC (p.Ala67_Gly68insAla)

Gene: KMT2A (lysine methyltransferase 2A; plus strand). Cytogenetic location: 11q23.3.
Variant type: Insertion.
Coding change: c.188_189insTGC on transcript NM_001197104.2 (MANE Select); coding-DNA positions 188 to 189, TGC inserted.
Protein change: p.Ala67_Gly68insAla.
Molecular consequence: inframe insertion.
Genome position: GRCh38 VCF-style: chr11-118436698-C-CGCT. GRCh37 (hg19) VCF-style: chr11-118307413-C-CGCT.
Other names: c.188_189insTGC, p.Ala67_Gly68insAla (NM_001412597.1, NM_005933.4).
Identifiers: ClinVar variation 2791622 (VCV002791622.3), dbSNP rs1949189031, ClinGen allele CA2003502856.

ClinVar aggregate classification (germline): Uncertain significance (1 of 4 stars; one submission).

Submission:

Labcorp Genetics (formerly Invitae), Labcorp
Classification: Uncertain significance. Last evaluated: 2024-01-13. Review status: criteria provided, single submitter. Criteria: Invitae Variant Classification Sherloc (09022015). Collection method: clinical testing. Allele origin: germline.
Comment: This variant, c.188_189insTGC, results in the insertion of 1 amino acid(s) of the KMT2A protein (p.Ala67dup), but otherwise preserves the integrity of the reading frame. This variant is not present in population databases (gnomAD no frequency). This variant has not been reported in the literature in individuals affected with KMT2A-related conditions. In summary, the available evidence is currently insufficient to determine the role of this variant in disease. Therefore, it has been classified as a Variant of Uncertain Significance.